The following is an entry in ClinVar:

NM_001370259.2(MEN1):c.754G>C (p.Asp252His)

Gene: MEN1 (menin 1; minus strand). Cytogenetic location: 11q13.1.
Variant type: single nucleotide variant.
Coding change: c.754G>C on transcript NM_001370259.2 (MANE Select); coding-DNA position 754, G replaced by C.
Protein change: p.Asp252His; replaces aspartic acid 252 with histidine.
Molecular consequence: missense variant.
Genome position (GRCh38, 1-based): chr11:64,807,581, C>G on the plus strand (G>C on the coding strand, the complement: MEN1 is on the minus strand). VCF-style: chr11-64807581-C-G. GRCh37 (hg19) VCF-style: chr11-64575053-C-G.
Other names: c.754G>C, p.Asp252His (NM_001370260.2, NM_001370261.2, NM_130799.3 and 1 more transcripts); c.649G>C, p.Asp217His (NM_001370262.2, NM_001370263.2); c.769G>C, p.Asp257His (NM_130800.3, NM_130801.3, NM_130802.3 and 3 more transcripts); short protein forms D252H, D257H, D217H.
Identifiers: ClinVar variation 581204 (VCV000581204.19), dbSNP rs770368608, ClinGen allele CA061495.
Genomic context (GRCh38, chr11:64,807,581, plus strand): 5'-CCCAGTCCTGCCCCATTGGCTCAGCCCTCACCTGCTGCAGCTGCAGAAGCTCCAGCGAGT[C>G]GGTGTGCAGGTCAATGGAAGGGTTGATGGCACACACCATGAACGCCACCTCCATCTTGCG-3'
Protein context (NP_001357188.2, residues 242-262): AINPSIDLHT[Asp252His]SLELLQLQQK

ClinVar aggregate classification (germline): Conflicting classifications of pathogenicity. Review status: criteria provided, conflicting classifications (1 of 4 stars). 5 submissions from 5 submitters: Uncertain significance (4); Likely benign (1). Last evaluated 2026-04-29.

Conditions:
Multiple endocrine neoplasia, type 1 (MEN1). Also called: MEA I; MEN I; WERMER SYNDROME; Endocrine adenomatosis multiple; MEN 1. Identifiers: Orphanet 652, MedGen C0025267, MeSH D018761, MONDO:0007540, OMIM 131100.
Hereditary cancer-predisposing syndrome. Also called: Tumor predisposition; Hereditary Cancer Syndrome; Neoplastic Syndromes, Hereditary; Hereditary neoplastic syndrome. Identifiers: Orphanet 140162, MedGen C0027672, MeSH D009386, MONDO:0015356.

Allele frequency attached by ClinVar (database versions not stated): TOPMed 0.00002.
gnomAD v4.1: 5 of 1,614,172 alleles (0.00031%); highest among the groups gnomAD compares: Non-Finnish European, 0.00042%; no homozygotes.

Submissions (5):

Ambry Genetics
Classification: Uncertain significance for Hereditary cancer-predisposing syndrome. Last evaluated: 2026-04-29. Review status: criteria provided, single submitter. Criteria: Ambry Variant Classification Scheme 2023. Collection method: clinical testing. Allele origin: germline.
Comment: The p.D252H variant (also known as c.754G>C), located in coding exon 3 of the MEN1 gene, results from a G to C substitution at nucleotide position 754. The aspartic acid at codon 252 is replaced by histidine, an amino acid with similar properties. This amino acid position is highly conserved in available vertebrate species. In addition, this alteration is predicted to be deleterious by in silico analysis. Based on the available evidence, the clinical significance of this variant remains unclear.

Labcorp Genetics (formerly Invitae), Labcorp
Classification: Likely benign for Multiple endocrine neoplasia, type 1. Last evaluated: 2025-11-04. Review status: criteria provided, single submitter. Criteria: Invitae Variant Classification Sherloc (09022015). Collection method: clinical testing. Allele origin: germline.

Quest Diagnostics Nichols Institute San Juan Capistrano
Classification: Uncertain significance. Last evaluated: 2024-07-23. Review status: criteria provided, single submitter. Criteria: Quest Diagnostics criteria. Collection method: clinical testing. Allele origin: unknown.

Baylor Genetics
Classification: Uncertain significance for Multiple Endocrine Neoplasia Type 1. Last evaluated: 2023-06-26. Review status: criteria provided, single submitter. Criteria: ACMG Guidelines, 2015. Collection method: clinical testing. Allele origin: unknown.

All of Us Research Program, National Institutes of Health
Classification: Uncertain significance for Multiple endocrine neoplasia, type 1. Last evaluated: 2023-02-24. Review status: criteria provided, single submitter. Criteria: ACMG Guidelines, 2015. Collection method: clinical testing. Allele origin: germline. Inheritance: Autosomal dominant inheritance. Observed: 1 variant allele, 1 heterozygote.
Comment: This missense variant replaces aspartic acid with histidine at codon 252 of the MEN1 protein. Computational prediction suggests that this variant may have deleterious impact on protein structure and function (internally defined REVEL score threshold >= 0.7, PMID: 27666373). To our knowledge, functional studies have not been reported for this variant. This variant has not been reported in individuals affected with MEN1-related disorders in the literature. This variant has been identified in 2/251326 chromosomes in the general population by the Genome Aggregation Database (gnomAD). The available evidence is insufficient to determine the role of this variant in disease conclusively. Therefore, this variant is classified as a Variant of Uncertain Significance.

This study involves interpretation of variants in research participants for the purpose of population health screening. Participant phenotype was not available at the time of variant classification. Additional details can be found in publication PMID: 35346344, PMCID: PMC8962531